The following is an entry in ClinVar:

ClinVar aggregate classification (germline): Uncertain significance (1 of 4 stars; one submission).

Conditions:
Congenital contractures of the limbs and face, hypotonia, and developmental delay (CLIFAHDD). Identifiers: Orphanet 562528, MedGen C4225398, MONDO:0014556, OMIM 616266.

Submission:

Victorian Clinical Genetics Services, Murdoch Childrens Research Institute
Classification: Uncertain significance for Congenital contractures of the limbs and face, hypotonia, and developmental delay. Last evaluated: 2024-10-09. Review status: criteria provided, single submitter. Criteria: ACMG Guidelines, 2015. Collection method: clinical testing. Allele origin: germline. Inheritance: Autosomal dominant inheritance. Affected: yes.
Comment: Based on the classification scheme VCGS_Germline_v1.3.4, this variant is classified as VUS-3B. Following criteria are met: 0103 - Loss of function is a known mechanism of disease in this gene and is associated with autosomal recessive hypotonia, infantile, with psychomotor retardation and characteristic facies 1 (MIM#615419). Dominant negative and gain of function are postulated mechanisms for autosomal dominant congenital contractures of the limbs and face, hypotonia, and developmental delay (MIM# 6162660) (PMID: 26763878). (I) 0108 - This gene is associated with both recessive and dominant disease. The recessive condition is associated with both null variants and missense variants outside of the S5/S6 segments of the protein (PMID: 30167850), whereas the dominant condition is mostly associated with missense variants within the S5/S6 segments (PMID: 26763878). (I) 0200 - Variant is predicted to result in a missense amino acid change from lysine to glutamic acid. This variant is also a non-canonical splice site variant, located 3 base pairs from the end of the exon. (I) 0251 - This variant is heterozygous. (I) 0301 - Variant is absent from gnomAD (both v2 and v3). (SP) 0502 - Missense variant with conflicting in silico predictions and uninformative conservation. As a splice variant, abnormal splicing is not predicted and nucleotide is highly conserved. (I) 0604 - Variant is not located in an established domain, motif, hotspot or informative constraint region. (I) 0705 - No comparable missense variants have previous evidence for pathogenicity. (I) 0807 - This variant has no previous evidence of pathogenicity. (I) 0905 - No published segregation evidence has been identified for this variant. (I) 1007 - No published functional evidence has been identified for this variant. (I) 1208 - Inheritance information for this variant is not currently available in this individual. (I) Legend: (SP) - Supporting pathogenic, (I) - Information, (SB) - Supporting benign

Literature cited by the submitters: PubMed 26763878; PubMed 30167850.

NM_052867.4(NALCN):c.2116A>G (p.Lys706Glu)

Gene: NALCN (sodium leak channel, non-selective; minus strand). Cytogenetic location: 13q33.1.
Variant type: single nucleotide variant.
Coding change: c.2116A>G on transcript NM_052867.4 (MANE Select); coding-DNA position 2116, A replaced by G.
Protein change: p.Lys706Glu; replaces lysine 706 with glutamic acid.
Molecular consequence: missense variant.
Genome position (GRCh38, 1-based): chr13:101,143,082, T>C on the plus strand (A>G on the coding strand, the complement: NALCN is on the minus strand). VCF-style: chr13-101143082-T-C. GRCh37 (hg19) VCF-style: chr13-101795433-T-C.
Other names: c.2116A>G, p.Lys706Glu (NM_001350748.2, NM_001350749.2); c.2029A>G, p.Lys677Glu (NM_001350750.2, NM_001350751.2); short protein forms K677E, K706E.
Identifiers: ClinVar variation 3377456 (VCV003377456.1).